The following is an entry in ClinVar:

NM_152713.5(STT3A):c.1774+25G>C

Gene: STT3A (STT3 oligosaccharyltransferase complex catalytic subunit A; plus strand). Cytogenetic location: 11q24.2.
Variant type: single nucleotide variant.
Coding change: c.1774+25G>C on transcript NM_152713.5 (MANE Select); 25 bases into the intron after coding-DNA position 1774, G replaced by C.
Molecular consequence: intron variant.
Genome position (GRCh38, 1-based): chr11:125,614,451, G>C. VCF-style: chr11-125614451-G-C. GRCh37 (hg19) VCF-style: chr11-125484346-G-C.
Other names: p.?; c.1774+25G>C (NM_001278503.2); c.1498+25G>C (NM_001278504.2).
Identifiers: ClinVar variation 4683697 (VCV004683697.1).

ClinVar aggregate classification (germline): Benign (1 of 4 stars; one submission).

Submission:

Mayo Clinic Laboratories, Mayo Clinic
Classification: Benign. Last evaluated: 2025-08-27. Review status: criteria provided, single submitter. Criteria: ACMG Guidelines, 2015. Collection method: clinical testing. Allele origin: germline. Observed: 1 variant allele.
Comment: BA1, BP4, BP7